The following is an entry in ClinVar:

NM_138691.3(TMC1):c.1362A>G (p.Leu454=)

Gene: TMC1 (transmembrane channel like 1; plus strand). Cytogenetic location: 9q21.13.
Variant type: single nucleotide variant.
Coding change: c.1362A>G on transcript NM_138691.3 (MANE Select); coding-DNA position 1362, A replaced by G.
Protein change: p.Leu454=; no amino-acid change (leucine 454 retained).
Molecular consequence: synonymous variant.
Genome position (GRCh38, 1-based): chr9:72,792,023, A>G. VCF-style: chr9-72792023-A-G. GRCh37 (hg19) VCF-style: chr9-75406939-A-G.
Other names: c.1362A>G (NM_138691.2).
Identifiers: ClinVar variation 2712349 (VCV002712349.6), dbSNP rs765094337, ClinGen allele CA5081930.

ClinVar aggregate classification (germline): Likely benign. Review status: criteria provided, multiple submitters, no conflicts (2 of 4 stars). 3 submissions from 3 submitters: Likely benign (2). 1 of the submissions does not count toward it. Last evaluated 2024-03-14.

Conditions:
TMC1-related disorder. Also called: TMC1-related condition; TMC1-related disorders.

Allele frequency attached by ClinVar (database versions not stated): ExAC 0.00001; gnomAD exomes 0.00001; gnomAD 0.00003; TOPMed 0.00005.
gnomAD v4.1: 20 of 1,614,112 alleles (0.0012%); highest among the groups gnomAD compares: Non-Finnish European, 0.0016%; no homozygotes.

Submissions (3):

Labcorp Genetics (formerly Invitae), Labcorp
Classification: Likely benign. Last evaluated: 2024-03-14. Review status: criteria provided, single submitter. Criteria: Invitae Variant Classification Sherloc (09022015). Collection method: clinical testing. Allele origin: germline.

Blueprint Genetics
Classification: Likely benign. Last evaluated: 2021-04-08. Review status: criteria provided, single submitter. Criteria: ACMG Guidelines, 2015. Collection method: clinical testing. Allele origin: germline.

PreventionGenetics, part of Exact Sciences
Classification: Likely benign for TMC1-related condition. Last evaluated: 2020-02-11. Review status: no assertion criteria provided. Collection method: clinical testing. Allele origin: germline. Not counted in ClinVar's aggregate classification.
Comment: This variant is classified as likely benign based on ACMG/AMP sequence variant interpretation guidelines (Richards et al. 2015 PMID: 25741868, with internal and published modifications).